The following is an entry in ClinVar:

NM_000268.4(NF2):c.1505G>A (p.Gly502Asp)

Gene: NF2 (NF2, moesin-ezrin-radixin like (MERLIN) tumor suppressor; plus strand). Cytogenetic location: 22q12.2.
Variant type: single nucleotide variant.
Coding change: c.1505G>A on transcript NM_000268.4 (MANE Select); coding-DNA position 1505, G replaced by A.
Protein change: p.Gly502Asp; replaces glycine 502 with aspartic acid.
Molecular consequence: missense variant. On other transcripts: non-coding transcript variant (1), intron variant (1).
Genome position (GRCh38, 1-based): chr22:29,678,254, G>A. VCF-style: chr22-29678254-G-A. GRCh37 (hg19) VCF-style: chr22-30074243-G-A.
Other names: c.1379G>A, p.Gly460Asp (NM_181828.3); c.1382G>A, p.Gly461Asp (NM_181829.3); c.1256G>A, p.Gly419Asp (NM_181830.3, NM_181831.3); c.1505G>A, p.Gly502Asp (NM_181832.3, NM_016418.5, NM_181825.3); c.448-16498G>A (NM_181833.3); short protein forms G419D, G460D, G461D, G502D.
Identifiers: ClinVar variation 1551068 (VCV001551068.11), dbSNP rs552115565, ClinGen allele CA031809.

ClinVar aggregate classification (germline): Conflicting classifications of pathogenicity. Review status: criteria provided, conflicting classifications (1 of 4 stars). 3 submissions from 3 submitters: Uncertain significance (1); Likely benign (2). Last evaluated 2025-12-29.

Conditions:
Neurofibromatosis, type 2 (SWNV). Also called: SCHWANNOMATOSIS, VESTIBULAR; BILATERAL ACOUSTIC NEUROFIBROMATOSIS; NF2-Related Schwannomatosis. Identifiers: Orphanet 637, MedGen C0027832, MONDO:0007039, OMIM 101000. Disease mechanism: loss of function.
Hereditary cancer-predisposing syndrome. Also called: Neoplastic Syndromes, Hereditary; Hereditary Cancer Syndrome; Hereditary neoplastic syndrome; Tumor predisposition. Identifiers: Orphanet 140162, MedGen C0027672, MeSH D009386, MONDO:0015356.

Allele frequency attached by ClinVar (database versions not stated): gnomAD 0.00004; gnomAD exomes 0.00005 and 0.00012; ExAC 0.00013; 1000 Genomes Project 0.00040; 1000 Genomes Project 30x 0.00047.
gnomAD v4.1: 83 of 1,614,114 alleles (0.0051%); highest among the groups gnomAD compares: South Asian, 0.088%; 1 homozygote.

Submissions (3):

Labcorp Genetics (formerly Invitae), Labcorp
Classification: Likely benign for Neurofibromatosis, type 2. Last evaluated: 2025-12-29. Review status: criteria provided, single submitter. Criteria: Invitae Variant Classification Sherloc (09022015). Collection method: clinical testing. Allele origin: germline.

All of Us Research Program, National Institutes of Health
Classification: Uncertain significance for Neurofibromatosis, type 2. Last evaluated: 2023-04-10. Review status: criteria provided, single submitter. Criteria: ACMG Guidelines, 2015. Collection method: clinical testing. Allele origin: germline. Inheritance: Autosomal dominant inheritance. Observed: 1 variant allele, 1 heterozygote.
Comment: This missense variant replaces glycine with aspartic acid at codon 502 of the NF2 protein. Computational prediction suggests that this variant may not impact protein structure and function (internally defined REVEL score threshold <= 0.5, PMID: 27666373). To our knowledge, functional studies have not been reported for this variant. This variant has not been reported in individuals affected with NF2-related disorders in the literature. This variant has been identified in 29/251496 chromosomes in the general population by the Genome Aggregation Database (gnomAD). The available evidence is insufficient to determine the role of this variant in disease conclusively. Therefore, this variant is classified as a Variant of Uncertain Significance.

This study involves interpretation of variants in research participants for the purpose of population health screening. Participant phenotype was not available at the time of variant classification. Additional details can be found in publication PMID: 35346344, PMCID: PMC8962531

Ambry Genetics
Classification: Likely benign for Hereditary cancer-predisposing syndrome. Last evaluated: 2022-06-04. Review status: criteria provided, single submitter. Criteria: Ambry Variant Classification Scheme 2023. Collection method: clinical testing. Allele origin: germline.